The following is an entry in ClinVar:

ClinVar aggregate classification (germline): Uncertain significance (0 of 4 stars; one submission).

Conditions:
Thrombophilia due to protein S deficiency, autosomal dominant (THPH5). Identifiers: Orphanet 26349, Orphanet 743, MedGen C3278211, MONDO:0012868, OMIM 612336. Disease mechanism: loss of function.

Allele frequency attached by ClinVar (database versions not stated): ESP Exome Variant Server 0.00008.

Submission:

CSER _CC_NCGL, University of Washington
Classification: Uncertain significance for Protein S deficiency. Last evaluated: 2014-06-01. Review status: no assertion criteria provided. Collection method: research. Allele origin: germline. Inheritance: Autosomal dominant inheritance. Study: ESP 6500 variant annotation.
Comment: Variants classified for the Actionable exomic incidental findings in 6503 participants: challenges of variant classification manuscript

NM_000313.4(PROS1):c.1907A>G (p.Tyr636Cys)

Gene: PROS1 (protein S; minus strand). Cytogenetic location: 3q11.1.
Variant type: single nucleotide variant.
Coding change: c.1907A>G on transcript NM_000313.4 (MANE Select); coding-DNA position 1907, A replaced by G.
Protein change: p.Tyr636Cys; replaces tyrosine 636 with cysteine.
Molecular consequence: missense variant.
Genome position (GRCh38, 1-based): chr3:93,874,369, T>C on the plus strand (A>G on the coding strand, the complement: PROS1 is on the minus strand). VCF-style: chr3-93874369-T-C. GRCh37 (hg19) VCF-style: chr3-93593213-T-C.
Other names: c.2003A>G, p.Tyr668Cys (NM_001314077.2); short protein forms Y636C, Y668C.
Identifiers: ClinVar variation 161348 (VCV000161348.2), dbSNP rs368173480, ClinGen allele CA211743.